The following is an entry in ClinVar:

NM_014714.4(IFT140):c.3124G>A (p.Ala1042Thr)

Genes: IFT140 (intraflagellar transport 140; minus strand), LOC126862260 (CDK7 strongly-dependent group 2 enhancer GRCh37_chr16:1574508-1575707; plus strand). Cytogenetic location: 16p13.3.
Variant type: single nucleotide variant.
Coding change: c.3124G>A on transcript NM_014714.4 (MANE Select); coding-DNA position 3124, G replaced by A.
Protein change: p.Ala1042Thr; replaces alanine 1042 with threonine.
Molecular consequence: missense variant.
Genome position (GRCh38, 1-based): chr16:1,524,569, C>T on the plus strand (G>A on the coding strand, the complement: IFT140 is on the minus strand). VCF-style: chr16-1524569-C-T. GRCh37 (hg19) VCF-style: chr16-1574570-C-T.
Other names: short protein forms A1042T.
Identifiers: ClinVar variation 4977869 (VCV004977869.1).

ClinVar aggregate classification (germline): Uncertain significance (1 of 4 stars; one submission).

Conditions:
IFT140-related disorder. Also called: IFT140-related condition.

Submission:

PreventionGenetics, part of Exact Sciences
Classification: Uncertain significance for IFT140-related condition. Last evaluated: 2026-09-21. Review status: criteria provided, single submitter. Criteria: ACMG Guidelines, 2015. Collection method: clinical testing. Allele origin: germline.
Comment: The IFT140 c.3124G>A variant is predicted to result in the amino acid substitution p.Ala1042Thr. To our knowledge, this variant has not been reported in the literature. This variant is reported in 0.0016% of alleles in individuals of European (Non-Finnish) descent in gnomAD. At this time, the clinical significance of this variant is uncertain due to the absence of conclusive functional and genetic evidence.